The following is an entry in ClinVar:

ClinVar aggregate classification (germline): Uncertain significance (1 of 4 stars; one submission).

Conditions:
Hereditary spastic paraplegia. Also called: Familial spastic paraparesis. Identifiers: Orphanet 685, MedGen C0037773, MONDO:0019064. Disease mechanism: loss of function.

Submission:

Labcorp Genetics (formerly Invitae), Labcorp
Classification: Uncertain significance for Hereditary spastic paraplegia. Last evaluated: 2023-12-04. Review status: criteria provided, single submitter. Criteria: Invitae Variant Classification Sherloc (09022015). Collection method: clinical testing. Allele origin: germline.
Comment: This sequence change replaces arginine, which is basic and polar, with lysine, which is basic and polar, at codon 620 of the USP8 protein (p.Arg620Lys). This variant is not present in population databases (gnomAD no frequency). This variant has not been reported in the literature in individuals affected with USP8-related conditions. Algorithms developed to predict the effect of missense changes on protein structure and function output the following: SIFT: "Not Available"; PolyPhen-2: "Benign"; Align-GVGD: "Not Available". The lysine amino acid residue is found in multiple mammalian species, which suggests that this missense change does not adversely affect protein function. In summary, the available evidence is currently insufficient to determine the role of this variant in disease. Therefore, it has been classified as a Variant of Uncertain Significance.

NM_005154.5(USP8):c.1859G>A (p.Arg620Lys)

Gene: USP8 (ubiquitin specific peptidase 8; plus strand). Cytogenetic location: 15q21.2.
Variant type: single nucleotide variant.
Coding change: c.1859G>A on transcript NM_005154.5 (MANE Select); coding-DNA position 1859, G replaced by A.
Protein change: p.Arg620Lys; replaces arginine 620 with lysine.
Molecular consequence: missense variant. On other transcripts: intron variant (1).
Genome position (GRCh38, 1-based): chr15:50,484,330, G>A. VCF-style: chr15-50484330-G-A. GRCh37 (hg19) VCF-style: chr15-50776527-G-A.
Other names: c.1859G>A, p.Arg620Lys (NM_001128610.3); c.1572+2265G>A (NM_001283049.2); short protein forms R620K.
Identifiers: ClinVar variation 2779577 (VCV002779577.3), dbSNP rs2051877801, ClinGen allele CA392396060.